The following is an entry in ClinVar:

NM_001378183.1(PIEZO2):c.1588C>T (p.Leu530Phe)

Gene: PIEZO2 (piezo type mechanosensitive ion channel component 2; minus strand). Cytogenetic location: 18p11.22.
Variant type: single nucleotide variant.
Coding change: c.1588C>T on transcript NM_001378183.1 (MANE Select); coding-DNA position 1588, C replaced by T.
Protein change: p.Leu530Phe; replaces leucine 530 with phenylalanine.
Molecular consequence: missense variant.
Genome position (GRCh38, 1-based): chr18:10,794,942, G>A on the plus strand (C>T on the coding strand, the complement: PIEZO2 is on the minus strand). VCF-style: chr18-10794942-G-A. GRCh37 (hg19) VCF-style: chr18-10794940-G-A.
Other names: c.1588C>T, p.Leu530Phe (NM_001410871.1, NM_022068.4); short protein forms L530F.
Identifiers: ClinVar variation 3714240 (VCV003714240.3).

ClinVar aggregate classification (germline): Uncertain significance. Review status: criteria provided, multiple submitters, no conflicts (2 of 4 stars). 2 submissions from 2 submitters: Uncertain significance (2). Last evaluated 2024-09-29.

Conditions:
Marden-Walker syndrome (MWKS). Also called: Connective tissue disorder Marden Walker type. Identifiers: Orphanet 2461, MedGen C0796033, MONDO:0009564, OMIM 248700.

Submissions (2):

3billion
Classification: Uncertain significance for Marden-Walker syndrome. Last evaluated: 2024-09-29. Review status: criteria provided, single submitter. Criteria: ACMG Guidelines, 2015. Collection method: clinical testing. Allele origin: germline. Affected: yes.
Comment: The variant is not observed in the gnomAD v4.1.0 dataset. Predicted Consequence/Location: Missense variant In silico tool predictions suggest damaging effect of the variant on gene or gene product [REVEL: 0.55 (>=0.6, sensitivity 0.68 and specificity 0.92); 3Cnet: 0.80 (>=0.6, sensitivity 0.72 and precision 0.9)]. Therefore, this variant is classified as VUS according to the recommendation of ACMG/AMP guideline.

Labcorp Genetics (formerly Invitae), Labcorp
Classification: Uncertain significance. Last evaluated: 2024-09-27. Review status: criteria provided, single submitter. Criteria: Invitae Variant Classification Sherloc (09022015). Collection method: clinical testing. Allele origin: germline.
Comment: This sequence change replaces leucine, which is neutral and non-polar, with phenylalanine, which is neutral and non-polar, at codon 530 of the PIEZO2 protein (p.Leu530Phe). This variant is not present in population databases (gnomAD no frequency). This variant has not been reported in the literature in individuals affected with PIEZO2-related conditions. Invitae Evidence Modeling of protein sequence and biophysical properties (such as structural, functional, and spatial information, amino acid conservation, physicochemical variation, residue mobility, and thermodynamic stability) indicates that this missense variant is expected to disrupt PIEZO2 protein function with a positive predictive value of 80%. In summary, the available evidence is currently insufficient to determine the role of this variant in disease. Therefore, it has been classified as a Variant of Uncertain Significance.